The following is an entry in ClinVar:

NM_024548.4(CEP97):c.1249C>T (p.Pro417Ser)

Gene: CEP97 (centrosomal protein 97; plus strand). Cytogenetic location: 3q12.3.
Variant type: single nucleotide variant.
Coding change: c.1249C>T on transcript NM_024548.4 (MANE Select); coding-DNA position 1249, C replaced by T.
Protein change: p.Pro417Ser; replaces proline 417 with serine.
Molecular consequence: missense variant.
Genome position (GRCh38, 1-based): chr3:101,757,855, C>T. VCF-style: chr3-101757855-C-T. GRCh37 (hg19) VCF-style: chr3-101476699-C-T.
Other names: c.1072C>T, p.Pro358Ser (NM_001303401.2); c.1147C>T, p.Pro383Ser (NM_001410784.1); c.970C>T, p.Pro324Ser (NM_001410785.1); c.1249C>T (NM_024548.2); short protein forms P358S, P383S, P324S, P417S.
Identifiers: ClinVar variation 2882524 (VCV002882524.4), dbSNP rs374370393, ClinGen allele CA2522099.

ClinVar aggregate classification (germline): Uncertain significance. Review status: criteria provided, multiple submitters, no conflicts (2 of 4 stars). 2 submissions from 2 submitters: Uncertain significance (2). Last evaluated 2025-11-08.

Allele frequency attached by ClinVar (database versions not stated): TOPMed 0.00002; gnomAD 0.00003; gnomAD exomes 0.00006; ExAC 0.00007; ESP Exome Variant Server 0.00008.
gnomAD v4.1: 91 of 1,614,124 alleles (0.0056%); highest among the groups gnomAD compares: Non-Finnish European, 0.007%; no homozygotes.

Submissions (2):

Ambry Genetics
Classification: Uncertain significance. Last evaluated: 2025-11-08. Review status: criteria provided, single submitter. Criteria: Ambry Variant Classification Scheme 2023. Collection method: clinical testing. Allele origin: germline.

Labcorp Genetics (formerly Invitae), Labcorp
Classification: Uncertain significance. Last evaluated: 2023-09-14. Review status: criteria provided, single submitter. Criteria: Invitae Variant Classification Sherloc (09022015). Collection method: clinical testing. Allele origin: germline.
Comment: In summary, the available evidence is currently insufficient to determine the role of this variant in disease. Therefore, it has been classified as a Variant of Uncertain Significance. Advanced modeling of protein sequence and biophysical properties (such as structural, functional, and spatial information, amino acid conservation, physicochemical variation, residue mobility, and thermodynamic stability) performed at Invitae indicates that this missense variant is not expected to disrupt CEP97 protein function. This variant has not been reported in the literature in individuals affected with CEP97-related conditions. This variant is present in population databases (rs374370393, gnomAD 0.01%). This sequence change replaces proline, which is neutral and non-polar, with serine, which is neutral and polar, at codon 417 of the CEP97 protein (p.Pro417Ser).